The following is an entry in ClinVar:

ClinVar aggregate classification (germline): Conflicting classifications of pathogenicity. Review status: criteria provided, conflicting classifications (1 of 4 stars). 3 submissions from 3 submitters: Likely pathogenic (1); Uncertain significance (1). 1 of the submissions does not count toward it. Last evaluated 2026-06-02.

Conditions:
PAH-related disorder. Also called: PAH-related condition.
Phenylketonuria (PKU). Also called: Phenylketonuria (PKU); FOLLING DISEASE; OLIGOPHRENIA PHENYLPYRUVICA; Phenylketonurias. Identifiers: Orphanet 716, MedGen C0031485, MONDO:0009861, OMIM 261600. Disease mechanism: loss of function.

Allele frequency attached by ClinVar (database versions not stated): gnomAD exomes 0.00001.
gnomAD v4.1: 3 of 1,613,720 alleles (0.00019%); highest among the groups gnomAD compares: Non-Finnish European, 0.00017%; no homozygotes.

Submissions (3):

PreventionGenetics, part of Exact Sciences
Classification: Uncertain significance for PAH-related condition. Last evaluated: 2026-06-02. Review status: criteria provided, single submitter. Criteria: ACMG Guidelines, 2015. Collection method: clinical testing. Allele origin: germline.
Comment: The PAH c.943G>T variant is predicted to result in the amino acid substitution p.Asp315Tyr. This variant was reported along with a second PAH variant in two individuals with phenylalanine hydroxylase deficiency, although the phase of the variants was not reported (Hillert et al. 2020. PubMed ID: 32668217). It has also been reported to occur on the same chromosome (i.e., in cis) with the common p.Arg408Trp variant, with another pathogenic PAH variant in trans, in an individual with mild hyperphenylalaninemia (Aulehla-Scholz et al. 2003. PubMed ID: 12655553). Functional studies suggest this variant may impact PAH enzyme activity (Ho et al. 2008. PubMed ID: 18590700). This variant is reported in 0.0092% of alleles in individuals of European (Finnish) descent in gnomAD. Although we suspect that this variant may be pathogenic, at this time, the clinical significance of this variant is uncertain due to the absence of conclusive functional and genetic evidence.

Women's Health and Genetics/Laboratory Corporation of America, LabCorp
Classification: Likely pathogenic for Phenylketonuria. Last evaluated: 2025-04-22. Review status: criteria provided, single submitter. Criteria: LabCorp Variant Classification Summary - May 2015. Collection method: clinical testing. Allele origin: germline.
Comment: Variant summary: PAH c.943G>T (p.Asp315Tyr) results in a non-conservative amino acid change in the encoded protein sequence. Five of five in-silico tools predict a damaging effect of the variant on protein function. The variant allele was found at a frequency of 8e-06 in 251282 control chromosomes. c.943G>T has been observed in multiple compound heterozygous individuals affected with Phenylalanine Hydroxylase Deficiency (Phenylketonuria) including individuals with a pathogenic variant in trans (e.g. Aulehla-Scholz_2003, Hillert_2020). These data indicate that the variant may be associated with disease. At least one publication reports experimental evidence evaluating an impact on protein function. The most pronounced variant effect results in significantly reduced PAH enzyme activity (e.g. Ho_2008). The following publications have been ascertained in the context of this evaluation (PMID: 12655553, 32668217, 18590700). ClinVar contains an entry for this variant (Variation ID: 102908). Based on the evidence outlined above, the variant was classified as likely pathogenic.

DeBelle Laboratory for Biochemical Genetics, MUHC/MCH RESEARCH INSTITUTE
No classification provided. Review status: no classification provided. Collection method: not provided. Allele origin: not provided. Not counted in ClinVar's aggregate classification.

Literature cited by the submitters: PubMed 12655553 (cited by Women's Health and Genetics/Laboratory Corporation of America, LabCorp); PubMed 18590700 (cited by Women's Health and Genetics/Laboratory Corporation of America, LabCorp); PubMed 32668217 (cited by Women's Health and Genetics/Laboratory Corporation of America, LabCorp).

NM_000277.3(PAH):c.943G>T (p.Asp315Tyr)

Gene: PAH (phenylalanine hydroxylase; minus strand). Cytogenetic location: 12q23.2.
Variant type: single nucleotide variant.
Coding change: c.943G>T on transcript NM_000277.3 (MANE Select); coding-DNA position 943, G replaced by T.
Protein change: p.Asp315Tyr; replaces aspartic acid 315 with tyrosine.
Molecular consequence: missense variant.
Genome position (GRCh38, 1-based): chr12:102,846,921, C>A on the plus strand (G>T on the coding strand, the complement: PAH is on the minus strand). VCF-style: chr12-102846921-C-A. GRCh37 (hg19) VCF-style: chr12-103240699-C-A.
Other names: c.943G>T, p.Asp315Tyr (NM_001354304.2); short protein forms D315Y.
Identifiers: ClinVar variation 102908 (VCV000102908.4), dbSNP rs62642917, ClinGen allele CA229868.
Genomic context (GRCh38, chr12:102,846,921, plus strand): 5'-CTCCACCATCCACCCAGGGAGAGAAGGGACTTACTGTGGCGAGCTTTTCAATGTATTCAT[C>A]AGGTGCACCCAGAGAGGCAAGGCCAATTTCCTGTAATTGGGGGAAAATAGAACCTGTTCT-3'
Protein context (NP_000268.1, residues 305-325): EIGLASLGAP[Asp315Tyr]EYIEKLATIY